The following is an entry in ClinVar:

NM_002439.5(MSH3):c.1018_1019del (p.Ile340fs)

Genes: MSH3 (mutS homolog 3; plus strand), LOC126807437 (MED14-independent group 3 enhancer GRCh37_chr5:79968379-79969578; plus strand). Cytogenetic location: 5q14.1.
Variant type: Deletion.
Coding change: c.1018_1019del on transcript NM_002439.5 (MANE Select); coding-DNA positions 1018 to 1019, 2 bases deleted (AT; older notation c.1018_1019delAT).
Protein change: p.Ile340fs; shifts the reading frame from isoleucine 340.
Molecular consequence: frameshift variant.
Genome position (GRCh38, 1-based): chr5:80,672,849-80,672,850, AT deleted; deleting any 2 consecutive bases within chr5:80,672,848-80,672,850 gives the same sequence; the c. name uses the placement nearest the transcript's 3' end. VCF-style (leftmost placement, unchanged base first): chr5-80672847-TTA-T. GRCh37 (hg19) VCF-style: chr5-79968666-TTA-T.
Other names: short protein forms I340fs.
Identifiers: ClinVar variation 3722776 (VCV003722776.2).

ClinVar aggregate classification (germline): Pathogenic (1 of 4 stars; one submission).

Submission:

Labcorp Genetics (formerly Invitae), Labcorp
Classification: Pathogenic. Last evaluated: 2024-10-12. Review status: criteria provided, single submitter. Criteria: Invitae Variant Classification Sherloc (09022015). Collection method: clinical testing. Allele origin: germline.
Comment: This sequence change creates a premature translational stop signal (p.Ile340Trpfs*12) in the MSH3 gene. It is expected to result in an absent or disrupted protein product. Loss-of-function variants in MSH3 are known to be pathogenic (PMID: 27476653, 37402566). This variant is present in population databases (no rsID available, gnomAD 0.0009%). This variant has not been reported in the literature in individuals affected with MSH3-related conditions. For these reasons, this variant has been classified as Pathogenic.

Literature cited by the submitters: PubMed 27476653; PubMed 37402566.